The following is an entry in ClinVar:

ClinVar aggregate classification (germline): Likely benign. Review status: criteria provided, single submitter (1 of 4 stars). 2 submissions from 2 submitters: Likely benign (1). 1 of the submissions does not count toward it. Last evaluated 2024-12-09.

Conditions:
GATA3-related disorder. Also called: GATA3-related condition.

Allele frequency attached by ClinVar (database versions not stated): ExAC 0.00003; gnomAD 0.00003; gnomAD exomes 0.00003; TOPMed 0.00003; ESP Exome Variant Server 0.00008.
gnomAD v4.1: 43 of 1,614,074 alleles (0.0027%); highest among the groups gnomAD compares: Non-Finnish European, 0.0035%; no homozygotes.

Submissions (2):

Labcorp Genetics (formerly Invitae), Labcorp
Classification: Likely benign. Last evaluated: 2024-12-09. Review status: criteria provided, single submitter. Criteria: Invitae Variant Classification Sherloc (09022015). Collection method: clinical testing. Allele origin: germline.

PreventionGenetics, part of Exact Sciences
Classification: Likely benign for GATA3-related condition. Last evaluated: 2019-06-21. Review status: no assertion criteria provided. Collection method: clinical testing. Allele origin: germline. Not counted in ClinVar's aggregate classification.
Comment: This variant is classified as likely benign based on ACMG/AMP sequence variant interpretation guidelines (Richards et al. 2015 PMID: 25741868, with internal and published modifications).

NM_001002295.2(GATA3):c.849C>T (p.Tyr283=)

Gene: GATA3 (GATA binding protein 3; plus strand). Cytogenetic location: 10p14.
Variant type: single nucleotide variant.
Coding change: c.849C>T on transcript NM_001002295.2 (MANE Select); coding-DNA position 849, C replaced by T.
Protein change: p.Tyr283=; no amino-acid change (tyrosine 283 retained).
Molecular consequence: synonymous variant.
Genome position (GRCh38, 1-based): chr10:8,064,063, C>T. VCF-style: chr10-8064063-C-T. GRCh37 (hg19) VCF-style: chr10-8106026-C-T.
Other names: c.849C>T (NM_001002295.1); c.846C>T, p.Tyr282= (NM_002051.3).
Identifiers: ClinVar variation 2050529 (VCV002050529.6), dbSNP rs138698611, ClinGen allele CA5404482.
Genomic context (GRCh38, chr10:8,064,063, plus strand): 5'-GTGTGTGAACTGTGGGGCAACCTCGACCCCACTGTGGCGGCGAGATGGCACGGGACACTA[C>T]CTGTGCAACGCCTGCGGGCTCTATCACAAAATGAACGGACAGAACCGGCCCCTCATTAAG-3'
Protein context (NP_001002295.1, residues 273-293): PLWRRDGTGH[Tyr283=]LCNACGLYHK